The following is an entry in ClinVar:

NM_080425.4(GNAS):c.1267G>A (p.Gly423Arg)

Gene: GNAS (GNAS complex locus; plus strand). Cytogenetic location: 20q13.32.
Variant type: single nucleotide variant.
Coding change: c.1267G>A on transcript NM_080425.4 (MANE Plus Clinical); coding-DNA position 1267, G replaced by A.
Protein change: p.Gly423Arg; replaces glycine 423 with arginine.
Molecular consequence: missense variant. On other transcripts: synonymous variant (2), intron variant (3).
Genome position (GRCh38, 1-based): chr20:58,854,532, G>A. VCF-style: chr20-58854532-G-A. GRCh37 (hg19) VCF-style: chr20-57429587-G-A.
Other names: c.1080G>A, p.Pro360= (NM_001077490.3, NM_001309883.1); c.1267G>A, p.Gly423Arg (NM_001410913.1); c.*42+13646G>A (NM_016592.5); c.43+13646G>A (NM_001410912.1); c.-39+12657G>A (NM_001309861.2); short protein forms G423R.
Identifiers: ClinVar variation 4978639 (VCV004978639.1).

ClinVar aggregate classification (germline): Uncertain significance (1 of 4 stars; one submission).

Conditions:
GNAS-related disorder. Identifiers: MedGen CN380105.

gnomAD v4.1: 4 of 1,574,964 alleles (0.00025%); highest among the groups gnomAD compares: African/African-American, 0.0029%; no homozygotes.

Submission:

PreventionGenetics, part of Exact Sciences
Classification: Uncertain significance for GNAS-related condition. Last evaluated: 2026-03-25. Review status: criteria provided, single submitter. Criteria: ACMG Guidelines, 2015. Collection method: clinical testing. Allele origin: germline.
Comment: The GNAS c.1267G>A variant is predicted to result in the amino acid substitution p.Gly423Arg. To our knowledge, this variant has not been reported in the literature. This variant is reported in 0.0069% of alleles in individuals of European (Finnish) descent in gnomAD. At this time, the clinical significance of this variant is uncertain due to the absence of conclusive functional and genetic evidence.